The following is an entry in ClinVar:

NM_000195.5(HPS1):c.507+48G>C

Gene: HPS1 (HPS1 biogenesis of lysosomal organelles complex 3 subunit 1; minus strand). Cytogenetic location: 10q24.2.
Variant type: single nucleotide variant.
Coding change: c.507+48G>C on transcript NM_000195.5 (MANE Select); 48 bases into the intron after coding-DNA position 507, G replaced by C.
Molecular consequence: intron variant.
Genome position (GRCh38, 1-based): chr10:98,433,935, C>G on the plus strand (G>C on the coding strand, the complement: HPS1 is on the minus strand). VCF-style: chr10-98433935-C-G. GRCh37 (hg19) VCF-style: chr10-100193692-C-G.
Other names: c.138+48G>C (NM_001322483.2, NM_001322485.2, NM_001322484.2); c.407+5G>C (NM_001322480.2, NM_001322482.2, NM_001322481.2); c.507+48G>C (NM_001322478.2, NM_001322476.2, NM_001322479.2 and 3 more transcripts); c.-367+5G>C (NM_001322489.2, NM_001311345.2); c.-466+5G>C (NM_001322487.2); c.550+5G>C (NM_001322492.2, NM_001322490.2).
Identifiers: ClinVar variation 4978039 (VCV004978039.1).

ClinVar aggregate classification (germline): Uncertain significance (1 of 4 stars; one submission).

Conditions:
HPS1-related disorder. Also called: HPS1-related condition.

Submission:

PreventionGenetics, part of Exact Sciences
Classification: Uncertain significance for HPS1-related condition. Last evaluated: 2026-04-15. Review status: criteria provided, single submitter. Criteria: ACMG Guidelines, 2015. Collection method: clinical testing. Allele origin: germline.
Comment: The HPS1 c.550+5G>C variant is predicted to interfere with splicing. In an alternate transcript (NM_000195.4), this variant is called c.507+48G>C. To our knowledge, this variant has not been reported in the literature. This variant is reported in 0.040% of alleles in individuals of Latino descent in gnomAD. At this time, the clinical significance of this variant is uncertain due to the absence of conclusive functional and genetic evidence.